The following is an entry in ClinVar:

ClinVar aggregate classification (germline): Uncertain significance. Review status: criteria provided, multiple submitters, no conflicts (2 of 4 stars). 4 submissions from 3 submitters: Uncertain significance (4). Last evaluated 2025-10-02.

Conditions:
Ectopia lentis et pupillae. Also called: ECTOPIA LENTIS WITH ECTOPIA OF PUPIL. Identifiers: Orphanet 1885, MedGen C1644196, MONDO:0009153, OMIM 225200.
Ectopia lentis 2, isolated, autosomal recessive (ECTOL2). Identifiers: Orphanet 1885, MedGen C3541474, MONDO:0009152, OMIM 225100.
Inborn genetic diseases. Identifiers: MedGen C0950123, MeSH D030342.

Allele frequency attached by ClinVar (database versions not stated): ExAC 0.00001; TOPMed 0.00001; gnomAD 0.00002; ESP Exome Variant Server 0.00008.
gnomAD v4.1: 36 of 1,613,014 alleles (0.0022%); highest among the groups gnomAD compares: East Asian, 0.0089%; no homozygotes.

Submissions (4):

Ambry Genetics
Classification: Uncertain significance for Inborn genetic diseases. Last evaluated: 2025-10-02. Review status: criteria provided, single submitter. Criteria: Ambry Variant Classification Scheme 2023. Collection method: clinical testing. Allele origin: germline.

Labcorp Genetics (formerly Invitae), Labcorp
Classification: Uncertain significance. Last evaluated: 2024-12-16. Review status: criteria provided, single submitter. Criteria: Invitae Variant Classification Sherloc (09022015). Collection method: clinical testing. Allele origin: germline.
Comment: This sequence change replaces proline, which is neutral and non-polar, with leucine, which is neutral and non-polar, at codon 620 of the ADAMTSL4 protein (p.Pro620Leu). The frequency data for this variant in the population databases is considered unreliable, as metrics indicate poor data quality at this position in the gnomAD database. This variant has not been reported in the literature in individuals affected with ADAMTSL4-related conditions. ClinVar contains an entry for this variant (Variation ID: 1902645). An algorithm developed to predict the effect of missense changes on protein structure and function (PolyPhen-2) suggests that this variant is likely to be disruptive. In summary, the available evidence is currently insufficient to determine the role of this variant in disease. Therefore, it has been classified as a Variant of Uncertain Significance.

Genome-Nilou Lab
Classification: Uncertain significance for Ectopia lentis et pupillae. Last evaluated: 2023-04-11. Review status: criteria provided, single submitter. Criteria: ACMG Guidelines, 2015. Collection method: clinical testing. Allele origin: germline. Affected: no.

Genome-Nilou Lab
Classification: Uncertain significance for Ectopia lentis 2, isolated, autosomal recessive. Last evaluated: 2023-04-11. Review status: criteria provided, single submitter. Criteria: ACMG Guidelines, 2015. Collection method: clinical testing. Allele origin: germline. Affected: no.

NM_019032.6(ADAMTSL4):c.1859C>T (p.Pro620Leu)

Genes: ADAMTSL4 (ADAMTS like 4; plus strand), ADAMTSL4-AS2 (ADAMTSL4 antisense RNA 2; minus strand). Cytogenetic location: 1q21.2.
Variant type: single nucleotide variant.
Coding change: c.1859C>T on transcript NM_019032.6 (MANE Select); coding-DNA position 1859, C replaced by T.
Protein change: p.Pro620Leu; replaces proline 620 with leucine.
Molecular consequence: missense variant. On other transcripts: intron variant (1).
Genome position (GRCh38, 1-based): chr1:150,557,048, C>T. VCF-style: chr1-150557048-C-T. GRCh37 (hg19) VCF-style: chr1-150529524-C-T.
Other names: c.1928C>T, p.Pro643Leu (NM_001288608.2); c.1859C>T, p.Pro620Leu (NM_001378596.1, NM_025008.5); c.1856+72C>T (NM_001288607.2); short protein forms P620L, P643L.
Identifiers: ClinVar variation 1902645 (VCV001902645.6), dbSNP rs368100711, ClinGen allele CA1078419.